The following is an entry in ClinVar:

NM_024537.4(CARS2):c.499G>A (p.Glu167Lys)

Gene: CARS2 (cysteinyl-tRNA synthetase 2, mitochondrial; minus strand). Cytogenetic location: 13q34.
Variant type: single nucleotide variant.
Coding change: c.499G>A on transcript NM_024537.4 (MANE Select); coding-DNA position 499, G replaced by A.
Protein change: p.Glu167Lys; replaces glutamic acid 167 with lysine.
Molecular consequence: missense variant. On other transcripts: 5 prime UTR variant (1), non-coding transcript variant (2).
Genome position (GRCh38, 1-based): chr13:110,687,793, C>T on the plus strand (G>A on the coding strand, the complement: CARS2 is on the minus strand). VCF-style: chr13-110687793-C-T. GRCh37 (hg19) VCF-style: chr13-111340140-C-T.
Other names: c.-501G>A (NM_001352252.2); c.499G>A, p.Glu167Lys (NM_001352253.3); short protein forms E167K.
Identifiers: ClinVar variation 843421 (VCV000843421.8), dbSNP rs753936012, ClinGen allele CA7052221.

ClinVar aggregate classification (germline): Uncertain significance. Review status: criteria provided, multiple submitters, no conflicts (2 of 4 stars). 2 submissions from 2 submitters: Uncertain significance (2). Last evaluated 2021-08-28.

Conditions:
Combined oxidative phosphorylation defect type 27. Also called: Combined oxidative phosphorylation deficiency 27. Identifiers: Orphanet 477774, MedGen C5567608, MONDO:0014728, OMIM 616672.

Allele frequency attached by ClinVar (database versions not stated): gnomAD below 0.00001 and 0.00001; TOPMed below 0.00001; gnomAD exomes 0.00001 and 0.00004; ExAC 0.00007.
gnomAD v4.1: 22 of 1,612,964 alleles (0.0014%); highest among the groups gnomAD compares: South Asian, 0.018%; no homozygotes.

Submissions (2):

Labcorp Genetics (formerly Invitae), Labcorp
Classification: Uncertain significance for Combined oxidative phosphorylation defect type 27. Last evaluated: 2021-08-28. Review status: criteria provided, single submitter. Criteria: Invitae Variant Classification Sherloc (09022015). Collection method: clinical testing. Allele origin: germline.
Comment: This sequence change replaces glutamic acid with lysine at codon 167 of the CARS2 protein (p.Glu167Lys). The glutamic acid residue is highly conserved and there is a small physicochemical difference between glutamic acid and lysine. This variant is present in population databases (rs753936012, ExAC 0.05%). This variant has not been reported in the literature in individuals affected with CARS2-related conditions. Algorithms developed to predict the effect of missense changes on protein structure and function are either unavailable or do not agree on the potential impact of this missense change (SIFT: "Deleterious"; PolyPhen-2: "Probably Damaging"; Align-GVGD: "Class C0"). In summary, the available evidence is currently insufficient to determine the role of this variant in disease. Therefore, it has been classified as a Variant of Uncertain Significance.

New York Genome Center
Classification: Uncertain significance for Combined oxidative phosphorylation defect type 27. Last evaluated: 2020-06-04. Review status: criteria provided, single submitter. Criteria: NYGC Assertion Criteria 2020. Collection method: clinical testing. Allele origin: germline. Observed: 1 heterozygote. Study: CSER-NYCKidSeq.